The following is an entry in ClinVar:

NM_000070.3(CAPN3):c.1161_1162delinsTT (p.Gln388Ter)

Gene: CAPN3 (calpain 3; plus strand). Cytogenetic location: 15q15.1.
Variant type: Indel.
Coding change: c.1161_1162delinsTT on transcript NM_000070.3 (MANE Select); coding-DNA positions 1161 to 1162, GC replaced by TT.
Protein change: p.Gln388Ter; replaces glutamine 388 with a stop codon.
Molecular consequence: nonsense.
Genome position (GRCh38, 1-based): chr15:42,396,845-42,396,846, GC replaced by TT. VCF-style: chr15-42396845-GC-TT. GRCh37 (hg19) VCF-style: chr15-42689043-GC-TT.
Other names: c.1161_1162delinsTT, p.Gln388Ter (NM_024344.2); c.1017_1018delinsTT, p.Gln340Ter (NM_173087.2); short protein forms Q340*, Q388*.
Identifiers: ClinVar variation 4081606 (VCV004081606.1).

ClinVar aggregate classification (germline): Pathogenic (1 of 4 stars; one submission).

Conditions:
Autosomal recessive limb-girdle muscular dystrophy type 2A (LGMDR1). Also called: LEYDEN-MOEBIUS MUSCULAR DYSTROPHY; MUSCULAR DYSTROPHY, PELVOFEMORAL; Limb-girdle muscular dystrophy, type 2A; Calpainopathy; Muscular dystrophy, limb-girdle, type 2A, Amish. Identifiers: Orphanet 267, MedGen C1869123, MONDO:0009675, OMIM 253600. Disease mechanism: loss of function.

Submission:

Myriad Genetics, Inc.
Classification: Pathogenic for Autosomal recessive limb-girdle muscular dystrophy type 2A. Last evaluated: 2025-05-19. Review status: criteria provided, single submitter. Criteria: Myriad Autosomal Dominant, Autosomal Recessive and X-Linked Classification Criteria (2023). Collection method: clinical testing. Allele origin: unknown.
Comment: NM_000070.2(CAPN3):c.1161_1162delGCinsTT(Q388*) is a nonsense variant classified as pathogenic in the context of calpainopathy. Q388* has not been observed in cases with relevant disease. Relevant functional assessments of this variant are not available in the literature. Q388* has not been observed in referenced population frequency databases. In summary, NM_000070.2(CAPN3):c.1161_1162delGCinsTT(Q388*) is a nonsense variant in a gene where loss of function is a known mechanism of disease and is predicted to disrupt protein function. Please note: this variant was assessed in the context of healthy population screening.